The following is an entry in ClinVar:

ClinVar aggregate classification (germline): Benign/Likely benign. Review status: criteria provided, multiple submitters, no conflicts (2 of 4 stars). 6 submissions from 6 submitters: Benign (5); Likely benign (1). Last evaluated 2026-01-15.

Conditions:
Primary ciliary dyskinesia 19. Also called: CILIARY DYSKINESIA, PRIMARY, 19, WITH OR WITHOUT SITUS INVERSUS. Identifiers: Orphanet 244, MedGen C3543826, MONDO:0013979, OMIM 614935.
Primary ciliary dyskinesia. Also called: Ciliary dyskinesia. Identifiers: Orphanet 244, MedGen C0008780, MONDO:0016575, HP:0012265.

Allele frequency attached by ClinVar (database versions not stated): gnomAD exomes 0.00079; 1000 Genomes Project 0.00699; gnomAD 0.00762 and 0.00827; 1000 Genomes Project 30x 0.00765; ESP Exome Variant Server 0.00823; TOPMed 0.00873.
gnomAD v4.1: 2,351 of 1,613,408 alleles (0.15%); highest among the groups gnomAD compares: African/African-American, 2.8%; 29 homozygotes.

Submissions (6):

Labcorp Genetics (formerly Invitae), Labcorp
Classification: Benign for Primary ciliary dyskinesia 19. Last evaluated: 2026-01-15. Review status: criteria provided, single submitter. Criteria: Invitae Variant Classification Sherloc (09022015). Collection method: clinical testing. Allele origin: germline.

Mayo Clinic Laboratories, Mayo Clinic
Classification: Benign. Last evaluated: 2025-10-18. Review status: criteria provided, single submitter. Criteria: ACMG Guidelines, 2015. Collection method: clinical testing. Allele origin: germline. Observed: 1 variant allele.
Comment: BS1, BS2, BP4_moderate

ARUP Laboratories, Molecular Genetics and Genomics, ARUP Laboratories
Classification: Benign. Last evaluated: 2024-10-18. Review status: criteria provided, single submitter. Criteria: ARUP Molecular Germline Variant Investigation Process 2024. Collection method: clinical testing. Allele origin: germline.

GeneDx
Classification: Likely benign. Last evaluated: 2021-01-18. Review status: criteria provided, single submitter. Criteria: GeneDx Variant Classification Process June 2021. Collection method: clinical testing. Allele origin: germline. Affected: yes.
Comment: See Variant Classification Assertion Criteria.

Ambry Genetics
Classification: Benign for Primary ciliary dyskinesia. Last evaluated: 2017-04-03. Review status: criteria provided, single submitter. Criteria: Ambry Variant Classification Scheme 2023. Collection method: clinical testing. Allele origin: germline.

PreventionGenetics, part of Exact Sciences
Classification: Benign. Review status: criteria provided, single submitter. Criteria: ACMG Guidelines, 2015. Collection method: clinical testing. Allele origin: germline.

NM_012472.6(DNAAF11):c.1162G>A (p.Gly388Ser)

Gene: DNAAF11 (dynein axonemal assembly factor 11; minus strand). Cytogenetic location: 8q24.22.
Variant type: single nucleotide variant.
Coding change: c.1162G>A on transcript NM_012472.6 (MANE Select); coding-DNA position 1162, G replaced by A.
Protein change: p.Gly388Ser; replaces glycine 388 with serine.
Molecular consequence: missense variant. On other transcripts: non-coding transcript variant (10).
Genome position (GRCh38, 1-based): chr8:132,583,758, C>T on the plus strand (G>A on the coding strand, the complement: DNAAF11 is on the minus strand). VCF-style: chr8-132583758-C-T. GRCh37 (hg19) VCF-style: chr8-133596005-C-T.
Other names: p.Gly388Ser; c.1102G>A, p.Gly368Ser (NM_001321961.2); c.916G>A, p.Gly306Ser (NM_001321962.2); c.802G>A, p.Gly268Ser (NM_001321963.2, NM_001321964.2, NM_001321965.2); c.742G>A, p.Gly248Ser (NM_001321966.2); short protein forms G388S, G248S, G306S, G268S, G368S.
Identifiers: ClinVar variation 260269 (VCV000260269.22), dbSNP rs77289466, ClinGen allele CA4881135.